The following is an entry in ClinVar:

ClinVar aggregate classification (germline): Uncertain significance (1 of 4 stars; one submission).

Conditions:
Early-infantile DEE. Also called: Early infantile epileptic encephalopathy with suppression bursts; Early infantile epileptic encephalopathy; Ohtahara syndrome. Identifiers: Orphanet 1934, MedGen C0393706, MONDO:0800491.

gnomAD v4.1: 1 of 1,586,426 alleles (0.000063%); no homozygotes.

Submission:

Labcorp Genetics (formerly Invitae), Labcorp
Classification: Uncertain significance for Early-infantile DEE. Last evaluated: 2023-06-09. Review status: criteria provided, single submitter. Criteria: Invitae Variant Classification Sherloc (09022015). Collection method: clinical testing. Allele origin: germline.
Comment: This variant has been observed in individual(s) with clinical features of SCN8A-related conditions (Invitae). This sequence change falls in intron 14 of the SCN8A gene. It does not directly change the encoded amino acid sequence of the SCN8A protein. It affects a nucleotide within the consensus splice site. This variant is not present in population databases (gnomAD no frequency). ClinVar contains an entry for this variant (Variation ID: 1465107). Variants that disrupt the consensus splice site are a relatively common cause of aberrant splicing (PMID: 17576681, 9536098). Algorithms developed to predict the effect of sequence changes on RNA splicing suggest that this variant is not likely to affect RNA splicing. In summary, the available evidence is currently insufficient to determine the role of this variant in disease. Therefore, it has been classified as a Variant of Uncertain Significance.

Literature cited by the submitters: PubMed 17576681; PubMed 9536098.

NM_001330260.2(SCN8A):c.2370+6A>T

Gene: SCN8A (sodium voltage-gated channel alpha subunit 8; plus strand). Cytogenetic location: 12q13.13.
Variant type: single nucleotide variant.
Coding change: c.2370+6A>T on transcript NM_001330260.2 (MANE Select); 6 bases into the intron after coding-DNA position 2370, A replaced by T.
Molecular consequence: intron variant.
Genome position (GRCh38, 1-based): chr12:51,751,599, A>T. VCF-style: chr12-51751599-A-T. GRCh37 (hg19) VCF-style: chr12-52145383-A-T.
Other names: c.2370+6A>T (NM_014191.4, NM_001177984.3, NM_001369788.1).
Identifiers: ClinVar variation 1465107 (VCV001465107.7), dbSNP rs2138838830, ClinGen allele CA2573148767.